The following is an entry in ClinVar:

NM_144687.4(NLRP12):c.1461C>T (p.Asp487=)

Gene: NLRP12 (NLR family pyrin domain containing 12; minus strand). Cytogenetic location: 19q13.42.
Variant type: single nucleotide variant.
Coding change: c.1461C>T on transcript NM_144687.4 (MANE Select); coding-DNA position 1461, C replaced by T.
Protein change: p.Asp487=; no amino-acid change (aspartic acid 487 retained).
Molecular consequence: synonymous variant.
Genome position (GRCh38, 1-based): chr19:53,810,198, G>A on the plus strand (C>T on the coding strand, the complement: NLRP12 is on the minus strand). VCF-style: chr19-53810198-G-A. GRCh37 (hg19) VCF-style: chr19-54313452-G-A.
Other names: c.1461C>T, p.Asp487= (NM_001277126.2, NM_001277129.1).
Identifiers: ClinVar variation 893135 (VCV000893135.5), dbSNP rs555808644, ClinGen allele CA9639423.

ClinVar aggregate classification (germline): Likely benign. Review status: criteria provided, multiple submitters, no conflicts (2 of 4 stars). 2 submissions from 2 submitters: Likely benign (2). Last evaluated 2025-11-27.

Conditions:
Familial cold autoinflammatory syndrome 2 (FCAS2). Identifiers: Orphanet 247868, MedGen C2673198, MONDO:0012724, OMIM 611762.

Allele frequency attached by ClinVar (database versions not stated): ExAC 0.00002; TOPMed 0.00002.
gnomAD v4.1: 9 of 1,614,064 alleles (0.00056%); highest among the groups gnomAD compares: African/African-American, 0.004%; no homozygotes.

Submissions (2):

Labcorp Genetics (formerly Invitae), Labcorp
Classification: Likely benign for Familial cold autoinflammatory syndrome 2. Last evaluated: 2025-11-27. Review status: criteria provided, single submitter. Criteria: Invitae Variant Classification Sherloc (09022015). Collection method: clinical testing. Allele origin: germline.

Illumina Laboratory Services, Illumina
Classification: Likely benign for Familial cold autoinflammatory syndrome 2. Last evaluated: 2018-01-12. Review status: criteria provided, single submitter. Criteria: ICSL Variant Classification Criteria 13 December 2019. Collection method: clinical testing. Allele origin: germline.
Comment: This variant was observed in the ICSL laboratory as part of a predisposition screen in an ostensibly healthy population. It had not been previously curated by ICSL or reported in the Human Gene Mutation Database (HGMD: prior to June 1st, 2018), and was therefore a candidate for classification through an automated scoring system. Utilizing variant allele frequency, disease prevalence and penetrance estimates, and inheritance mode, an automated score was calculated to assess if this variant is too frequent to cause the disease. Based on the score and internal cut-off values, a variant classified as likely benign is not then subjected to further curation. The score for this variant resulted in a classification of likely benign for this disease.